The following is an entry in ClinVar:

NM_000094.4(COL7A1):c.1145T>C (p.Leu382Pro)

Gene: COL7A1 (collagen type VII alpha 1 chain; minus strand). Cytogenetic location: 3p21.31.
Variant type: single nucleotide variant.
Coding change: c.1145T>C on transcript NM_000094.4 (MANE Select); coding-DNA position 1145, T replaced by C.
Protein change: p.Leu382Pro; replaces leucine 382 with proline.
Molecular consequence: missense variant.
Genome position (GRCh38, 1-based): chr3:48,592,197, A>G on the plus strand (T>C on the coding strand, the complement: COL7A1 is on the minus strand). VCF-style: chr3-48592197-A-G. GRCh37 (hg19) VCF-style: chr3-48629630-A-G.
Other names: short protein forms L382P.
Identifiers: ClinVar variation 4232581 (VCV004232581.2).

ClinVar aggregate classification (germline): Uncertain significance. Review status: criteria provided, multiple submitters, no conflicts (2 of 4 stars). 2 submissions from 2 submitters: Uncertain significance (2). Last evaluated 2026-01-17.

Conditions:
Inborn genetic diseases. Identifiers: MedGen C0950123, MeSH D030342.

Submissions (2):

Labcorp Genetics (formerly Invitae), Labcorp
Classification: Uncertain significance. Last evaluated: 2026-01-17. Review status: criteria provided, single submitter. Criteria: Invitae Variant Classification Sherloc (09022015). Collection method: clinical testing. Allele origin: germline.
Comment: This sequence change replaces leucine, which is neutral and non-polar, with proline, which is neutral and non-polar, at codon 382 of the COL7A1 protein (p.Leu382Pro). This variant is not present in population databases (gnomAD no frequency). This variant has not been reported in the literature in individuals affected with COL7A1-related conditions. ClinVar contains an entry for this variant (Variation ID: 4232581). Invitae Evidence Modeling of protein sequence and biophysical properties (such as structural, functional, and spatial information, amino acid conservation, physicochemical variation, residue mobility, and thermodynamic stability) indicates that this missense variant is not expected to disrupt COL7A1 protein function with a negative predictive value of 95%. In summary, the available evidence is currently insufficient to determine the role of this variant in disease. Therefore, it has been classified as a Variant of Uncertain Significance.

Ambry Genetics
Classification: Uncertain significance for Inborn genetic diseases. Last evaluated: 2025-08-26. Review status: criteria provided, single submitter. Criteria: Ambry Variant Classification Scheme 2023. Collection method: clinical testing. Allele origin: germline.